The following is an entry in ClinVar:

ClinVar aggregate classification (germline): Pathogenic (1 of 4 stars; one submission).

Conditions:
Tumor predisposition syndrome 3 (TPDS3). Also called: Glioma susceptibility 9; Melanoma, cutaneous malignant, susceptibility to, 10; LONG TELOMERE SYNDROME, POT1-RELATED; POT1 Tumor Predisposition. Identifiers: Orphanet 618, MedGen C4014476, MONDO:0014368, OMIM 615848.

Submission:

Labcorp Genetics (formerly Invitae), Labcorp
Classification: Pathogenic for Tumor predisposition syndrome 3. Last evaluated: 2023-07-20. Review status: criteria provided, single submitter. Criteria: Invitae Variant Classification Sherloc (09022015). Collection method: clinical testing. Allele origin: germline.
Comment: For these reasons, this variant has been classified as Pathogenic. This variant has not been reported in the literature in individuals affected with POT1-related conditions. This variant is not present in population databases (gnomAD no frequency). This sequence change creates a premature translational stop signal (p.Tyr11*) in the POT1 gene. It is expected to result in an absent or disrupted protein product. Loss-of-function variants in POT1 are known to be pathogenic (PMID: 32155570).

Literature cited by the submitters: PubMed 32155570.

NM_015450.3(POT1):c.33T>G (p.Tyr11Ter)

Gene: POT1 (protection of telomeres 1; minus strand). Cytogenetic location: 7q31.33.
Variant type: single nucleotide variant.
Coding change: c.33T>G on transcript NM_015450.3 (MANE Select); coding-DNA position 33, T replaced by G.
Protein change: p.Tyr11Ter; replaces tyrosine 11 with a stop codon.
Molecular consequence: nonsense. On other transcripts: 5 prime UTR variant (1), non-coding transcript variant (3).
Genome position (GRCh38, 1-based): chr7:124,892,357, A>C on the plus strand (T>G on the coding strand, the complement: POT1 is on the minus strand). VCF-style: chr7-124892357-A-C. GRCh37 (hg19) VCF-style: chr7-124532411-A-C.
Other names: c.-230T>G (NM_001042594.2); short protein forms Y11*.
Identifiers: ClinVar variation 2766987 (VCV002766987.3), dbSNP rs2485562923, ClinGen allele CA369066251.